The following is an entry in ClinVar:

NM_001040108.2(MLH3):c.3355A>G (p.Thr1119Ala)

Gene: MLH3 (mutL homolog 3; minus strand). Cytogenetic location: 14q24.3.
Variant type: single nucleotide variant.
Coding change: c.3355A>G on transcript NM_001040108.2 (MANE Select); coding-DNA position 3355, A replaced by G.
Protein change: p.Thr1119Ala; replaces threonine 1119 with alanine.
Molecular consequence: missense variant.
Genome position (GRCh38, 1-based): chr14:75,042,403, T>C on the plus strand (A>G on the coding strand, the complement: MLH3 is on the minus strand). VCF-style: chr14-75042403-T-C. GRCh37 (hg19) VCF-style: chr14-75509106-T-C.
Other names: c.3355A>G, p.Thr1119Ala (NM_014381.3); short protein forms T1119A.
Identifiers: ClinVar variation 1730539 (VCV001730539.5), dbSNP rs1340154164, ClinGen allele CA390431776.
Genomic context (GRCh38, chr14:75,042,403, plus strand): 5'-TGTACTGTGTGCCCCAGCACTCTCTGCCACCCTTACCTCTGTTATCCTGTCTCATCACAG[T>C]CCTCTCTGCTCGAGCTCTCGGAAGGAAAGGAAGAACAAGGTCGCTTCTAAAAGGTTGACA-3'
Protein context (NP_001035197.1, residues 1109-1129): PFLPRARAER[Thr1119Ala]VMRQDNRDTV

ClinVar aggregate classification (germline): Uncertain significance. Review status: criteria provided, multiple submitters, no conflicts (2 of 4 stars). 2 submissions from 2 submitters: Uncertain significance (2). Last evaluated 2024-10-29.

Conditions:
Colorectal cancer, hereditary nonpolyposis, type 7. Identifiers: Orphanet 144, MedGen C1858380, MONDO:0013725, OMIM 614385.

Allele frequency attached by ClinVar (database versions not stated): gnomAD 0.00001; gnomAD exomes 0.00001; TOPMed 0.00002.
gnomAD v4.1: 5 of 1,614,040 alleles (0.00031%); highest among the groups gnomAD compares: Non-Finnish European, 0.00034%; no homozygotes.

Submissions (2):

Labcorp Genetics (formerly Invitae), Labcorp
Classification: Uncertain significance for Colorectal cancer, hereditary nonpolyposis, type 7. Last evaluated: 2024-10-29. Review status: criteria provided, single submitter. Criteria: Invitae Variant Classification Sherloc (09022015). Collection method: clinical testing. Allele origin: germline.
Comment: This sequence change replaces threonine, which is neutral and polar, with alanine, which is neutral and non-polar, at codon 1119 of the MLH3 protein (p.Thr1119Ala). This variant is not present in population databases (gnomAD no frequency). This variant has not been reported in the literature in individuals affected with MLH3-related conditions. ClinVar contains an entry for this variant (Variation ID: 1730539). An algorithm developed to predict the effect of missense changes on protein structure and function outputs the following: PolyPhen-2: "Benign". The alanine amino acid residue is found in multiple mammalian species, which suggests that this missense change does not adversely affect protein function. In summary, the available evidence is currently insufficient to determine the role of this variant in disease. Therefore, it has been classified as a Variant of Uncertain Significance.

Ambry Genetics
Classification: Uncertain significance. Last evaluated: 2023-12-17. Review status: criteria provided, single submitter. Criteria: Ambry Variant Classification Scheme 2023. Collection method: clinical testing. Allele origin: germline.
Comment: The p.T1119A variant (also known as c.3355A>G), located in coding exon 2 of the MLH3 gene, results from an A to G substitution at nucleotide position 3355. The threonine at codon 1119 is replaced by alanine, an amino acid with similar properties. This amino acid position is not well conserved in available vertebrate species, and alanine is the reference amino acid in other vertebrate species. In addition, this alteration is predicted to be tolerated by in silico analysis. Since supporting evidence is limited at this time, the clinical significance of this alteration remains unclear.